The following is an entry in ClinVar:

NM_172364.5(CACNA2D4):c.1051G>A (p.Asp351Asn)

Gene: CACNA2D4 (calcium voltage-gated channel auxiliary subunit alpha2delta 4; minus strand). Cytogenetic location: 12p13.33.
Variant type: single nucleotide variant.
Coding change: c.1051G>A on transcript NM_172364.5 (MANE Select); coding-DNA position 1051, G replaced by A.
Protein change: p.Asp351Asn; replaces aspartic acid 351 with asparagine.
Molecular consequence: missense variant.
Genome position (GRCh38, 1-based): chr12:1,885,982, C>T on the plus strand (G>A on the coding strand, the complement: CACNA2D4 is on the minus strand). VCF-style: chr12-1885982-C-T. GRCh37 (hg19) VCF-style: chr12-1995148-C-T.
Other names: short protein forms D351N.
Identifiers: ClinVar variation 2124361 (VCV002124361.4), dbSNP rs1240696658, ClinGen allele CA383359948.
Genomic context (GRCh38, chr12:1,885,982, plus strand): 5'-AAGAGCAGGGGCTTGGAAGTCTCAGGCCACCGTGGACACTCACCTCTCGATTGTCTCGGT[C>T]CGCCTGGACGAGGATCCCTTTAAAACAAGGCTCGATGTAATGGACGTAGTCATTGTACTG-3'
Protein context (NP_758952.4, residues 341-361): PCFKGILVQA[Asp351Asn]RDNREHFKLL

ClinVar aggregate classification (germline): Uncertain significance (1 of 4 stars; one submission).

Allele frequency attached by ClinVar (database versions not stated): gnomAD 0.00001; TOPMed below 0.00001.
gnomAD v4.1: 1 of 1,613,174 alleles (0.000062%); highest among the groups gnomAD compares: Non-Finnish European, 0.000085%; no homozygotes.

Submission:

Labcorp Genetics (formerly Invitae), Labcorp
Classification: Uncertain significance. Last evaluated: 2022-04-10. Review status: criteria provided, single submitter. Criteria: Invitae Variant Classification Sherloc (09022015). Collection method: clinical testing. Allele origin: germline.
Comment: This sequence change replaces aspartic acid, which is acidic and polar, with asparagine, which is neutral and polar, at codon 351 of the CACNA2D4 protein (p.Asp351Asn). This variant is not present in population databases (gnomAD no frequency). This variant has not been reported in the literature in individuals affected with CACNA2D4-related conditions. Algorithms developed to predict the effect of missense changes on protein structure and function are either unavailable or do not agree on the potential impact of this missense change (SIFT: "Deleterious"; PolyPhen-2: "Benign"; Align-GVGD: "Class C15"). In summary, the available evidence is currently insufficient to determine the role of this variant in disease. Therefore, it has been classified as a Variant of Uncertain Significance.